The following is an entry in ClinVar:

ClinVar aggregate classification (germline): Likely benign (0 of 4 stars; one submission).

Conditions:
MYO7B-related disorder. Also called: MYO7B-related condition.

Allele frequency attached by ClinVar (database versions not stated): ExAC 0.00007; ESP Exome Variant Server 0.00008.
gnomAD v4.1: 56 of 1,611,764 alleles (0.0035%); highest among the groups gnomAD compares: Admixed American, 0.048%; no homozygotes.

Submission:

PreventionGenetics, part of Exact Sciences
Classification: Likely benign for MYO7B-related condition. Last evaluated: 2019-10-28. Review status: no assertion criteria provided. Collection method: clinical testing. Allele origin: germline.
Comment: This variant is classified as likely benign based on ACMG/AMP sequence variant interpretation guidelines (Richards et al. 2015 PMID: 25741868, with internal and published modifications).

NM_001393586.1(MYO7B):c.5052C>T (p.His1684=)

Gene: MYO7B (myosin VIIB; plus strand). Cytogenetic location: 2q14.3.
Variant type: single nucleotide variant.
Coding change: c.5052C>T on transcript NM_001393586.1 (MANE Select); coding-DNA position 5052, C replaced by T.
Protein change: p.His1684=; no amino-acid change (histidine 1684 retained).
Molecular consequence: synonymous variant.
Genome position (GRCh38, 1-based): chr2:127,631,320, C>T. VCF-style: chr2-127631320-C-T. GRCh37 (hg19) VCF-style: chr2-128388895-C-T.
Other names: c.4974C>T, p.His1658= (NM_001080527.2); c.1533C>T, p.His511= (NM_001393594.1).
Identifiers: ClinVar variation 3045320 (VCV003045320.2), dbSNP rs201376272, ClinGen allele CA1862112.